The following is an entry in ClinVar:

ClinVar aggregate classification (germline): Benign. Review status: criteria provided, multiple submitters, no conflicts (2 of 4 stars). 3 submissions from 2 submitters: Benign (3). Last evaluated 2018-01-13.

Conditions:
Glucocorticoid-remediable aldosteronism. Also called: Hyperaldosteronism, familial, type I; ACTH-DEPENDENT HYPERALDOSTERONISM SYNDROME; ALDOSTERONISM, SENSITIVE TO DEXAMETHASONE; FH I; GLUCOCORTICOID-SUPPRESSIBLE HYPERALDOSTERONISM. Identifiers: Orphanet 403, MedGen C3838731, MONDO:0007080, OMIM 103900.
Deficiency of steroid 11-beta-monooxygenase (CYP11B1). Also called: ADRENAL HYPERPLASIA, CONGENITAL, DUE TO STEROID 11-BETA-HYDROXYLASE DEFICIENCY; 11-BETA-HYDROXYLASE DEFICIENCY; ADRENAL HYPERPLASIA IV; P450C11B1 DEFICIENCY; STEROID 11-BETA-HYDROXYLASE DEFICIENCY; Congenital adrenal hyperplasia due to 11-beta-hydroxylase deficiency. Identifiers: Orphanet 90795, MedGen C0268292, MONDO:0008729, OMIM 202010. Disease mechanism: loss of function.

Allele frequency attached by ClinVar (database versions not stated): TOPMed 0.61289; gnomAD 0.61613; 1000 Genomes Project 30x 0.69285; 1000 Genomes Project 0.69629.

Submissions (4):

Illumina Laboratory Services, Illumina
Classification: Benign for Glucocorticoid-remediable aldosteronism. Last evaluated: 2018-01-13. Review status: criteria provided, single submitter. Criteria: ICSL Variant Classification Criteria 13 December 2019. Collection method: clinical testing. Allele origin: germline.
Comment: This variant was observed in the ICSL laboratory as part of a predisposition screen in an ostensibly healthy population. It had not been previously curated by ICSL or reported in the Human Gene Mutation Database (HGMD: prior to June 1st, 2018), and was therefore a candidate for classification through an automated scoring system. Utilizing variant allele frequency, disease prevalence and penetrance estimates, and inheritance mode, an automated score was calculated to assess if this variant is too frequent to cause the disease. Based on the score and internal cut-off values, a variant classified as benign is not then subjected to further curation. The score for this variant resulted in a classification of benign for this disease.

Illumina Laboratory Services, Illumina
Classification: Benign for Deficiency of steroid 11-beta-monooxygenase. Last evaluated: 2018-01-13. Review status: criteria provided, single submitter. Criteria: ICSL Variant Classification Criteria 13 December 2019. Collection method: clinical testing. Allele origin: germline.
Comment: the same text as in the submission from Illumina Laboratory Services, Illumina above.

Breakthrough Genomics
Classification: Benign. Review status: criteria provided, single submitter. Criteria: ACMG Guidelines, 2015. Collection method: not provided. Allele origin: germline. Inheritance: Autosomal recessive inheritance. Affected: yes.

Dr. Peter K. Rogan Lab, Western University
No classification provided (evidence only). Condition: Lung cancer. Review status: no classification provided. Collection method: in vitro. Allele origin: not applicable. Functional consequence: retained intron. Not counted in ClinVar's aggregate classification.

NM_000497.4(CYP11B1):c.*1852T>G

Gene: CYP11B1 (cytochrome P450 family 11 subfamily B member 1; minus strand). Cytogenetic location: 8q24.3.
Variant type: single nucleotide variant.
Coding change: c.*1852T>G on transcript NM_000497.4 (MANE Select); 1852 bases downstream of the stop codon, T replaced by G.
Molecular consequence: 3 prime UTR variant.
Genome position (GRCh38, 1-based): chr8:142,872,521, A>C on the plus strand (T>G on the coding strand, the complement: CYP11B1 is on the minus strand). VCF-style: chr8-142872521-A-C. GRCh37 (hg19) VCF-style: chr8-143953937-A-C.
Other names: NC_000008.10:g.143953937A>C; c.*1852T>G (NM_001026213.1).
Identifiers: ClinVar variation 362104 (VCV000362104.7), dbSNP rs4736312, ClinGen allele CA10624924.